The following is an entry in ClinVar:

ClinVar aggregate classification (germline): Likely benign. Review status: criteria provided, multiple submitters, no conflicts (2 of 4 stars). 2 submissions from 2 submitters: Likely benign (2). Last evaluated 2025-04-18.

Conditions:
Duchenne muscular dystrophy (DMD). Also called: MUSCULAR DYSTROPHY, PSEUDOHYPERTROPHIC PROGRESSIVE, DUCHENNE TYPE; Duchenne Muscular Dystrophy (DMD). Identifiers: Orphanet 98896, MedGen C0013264, MONDO:0010679, OMIM 310200.

Allele frequency attached by ClinVar (database versions not stated): TOPMed 0.00003.
gnomAD v4.1: 42 of 1,179,922 alleles (0.0036%); highest among the groups gnomAD compares: Non-Finnish European, 0.0045%; no homozygotes.

Submissions (2):

Labcorp Genetics (formerly Invitae), Labcorp
Classification: Likely benign for Duchenne muscular dystrophy. Last evaluated: 2025-04-18. Review status: criteria provided, single submitter. Criteria: Invitae Variant Classification Sherloc (09022015). Collection method: clinical testing. Allele origin: germline.

GeneDx
Classification: Likely benign. Last evaluated: 2016-02-22. Review status: criteria provided, single submitter. Criteria: GeneDx Variant Classification (06012015). Collection method: clinical testing. Allele origin: germline. Affected: yes.
Comment: This variant is considered likely benign or benign based on one or more of the following criteria: it is a conservative change, it occurs at a poorly conserved position in the protein, it is predicted to be benign by multiple in silico algorithms, and/or has population frequency not consistent with disease.

NM_004006.3(DMD):c.832-17C>T

Gene: DMD (dystrophin; minus strand). Cytogenetic location: Xp21.1.
Variant type: single nucleotide variant.
Coding change: c.832-17C>T on transcript NM_004006.3 (MANE Select); 17 bases into the intron before coding-DNA position 832, C replaced by T.
Molecular consequence: intron variant.
Genome position (GRCh38, 1-based): chrX:32,698,015, G>A on the plus strand (C>T on the coding strand, the complement: DMD is on the minus strand). VCF-style: chrX-32698015-G-A. GRCh37 (hg19) VCF-style: chrX-32716132-G-A.
Other names: c.808-17C>T (NM_000109.4); c.820-17C>T (NM_004009.3); c.463-17C>T (NM_004010.3).
Identifiers: ClinVar variation 383844 (VCV000383844.4), dbSNP rs72470514, ClinGen allele CA10380049.